The following is an entry in ClinVar:

NM_000264.5(PTCH1):c.3245C>G (p.Pro1082Arg)

Gene: PTCH1 (patched 1; minus strand). Cytogenetic location: 9q22.32.
Variant type: single nucleotide variant.
Coding change: c.3245C>G on transcript NM_000264.5 (MANE Select); coding-DNA position 3245, C replaced by G.
Protein change: p.Pro1082Arg; replaces proline 1082 with arginine.
Molecular consequence: missense variant. On other transcripts: non-coding transcript variant (1).
Genome position (GRCh38, 1-based): chr9:95,456,337, G>C on the plus strand (C>G on the coding strand, the complement: PTCH1 is on the minus strand). VCF-style: chr9-95456337-G-C. GRCh37 (hg19) VCF-style: chr9-98218619-G-C.
Other names: c.3089C>G, p.Pro1030Arg (NM_001354918.2); c.3047C>G, p.Pro1016Arg (NM_001083602.3); c.3242C>G, p.Pro1081Arg (NM_001083603.3); c.2792C>G, p.Pro931Arg (NM_001083604.3, NM_001083605.3, NM_001083606.3 and 1 more transcripts); short protein forms P1030R, P931R, P1016R, P1082R, P1081R.
Identifiers: ClinVar variation 2852165 (VCV002852165.3), dbSNP rs2136648648, ClinGen allele CA374112072.
Genomic context (GRCh38, chr9:95,456,337, plus strand): 5'-AAAGCAACGTGAACGGTGAACTCCACTCCTATGCCAACAGAAGCGATCAGGATGACCACG[G>C]GCACGGCACTGAGCTTGATTCCGATGAGGCCCATCATGCCGAACAGCTCGACCGTCATCA-3'
Protein context (NP_000255.2, residues 1072-1092): GLIGIKLSAV[Pro1082Arg]VVILIASVGI

ClinVar aggregate classification (germline): Uncertain significance (1 of 4 stars; one submission).

Conditions:
Gorlin syndrome. Also called: Nevoid Basal Cell Carcinoma Syndrome; Basal cell nevus syndrome. Identifiers: Orphanet 377, MedGen C0004779, MONDO:0007187.

Submission:

Labcorp Genetics (formerly Invitae), Labcorp
Classification: Uncertain significance for Gorlin syndrome. Last evaluated: 2023-04-06. Review status: criteria provided, single submitter. Criteria: Invitae Variant Classification Sherloc (09022015). Collection method: clinical testing. Allele origin: germline.
Comment: In summary, the available evidence is currently insufficient to determine the role of this variant in disease. Therefore, it has been classified as a Variant of Uncertain Significance. Advanced modeling of protein sequence and biophysical properties (such as structural, functional, and spatial information, amino acid conservation, physicochemical variation, residue mobility, and thermodynamic stability) has been performed at Invitae for this missense variant, however the output from this modeling did not meet the statistical confidence thresholds required to predict the impact of this variant on PTCH1 protein function. This variant has not been reported in the literature in individuals affected with PTCH1-related conditions. This variant is not present in population databases (gnomAD no frequency). This sequence change replaces proline, which is neutral and non-polar, with arginine, which is basic and polar, at codon 1082 of the PTCH1 protein (p.Pro1082Arg).